The following is an entry in ClinVar:

ClinVar aggregate classification (germline): Conflicting classifications of pathogenicity. Review status: criteria provided, conflicting classifications (1 of 4 stars). 3 submissions from 3 submitters: Pathogenic (1); Likely pathogenic (1); Uncertain significance (1). Last evaluated 2024-01-09.

Conditions:
Hereditary cancer-predisposing syndrome. Also called: Tumor predisposition; Neoplastic Syndromes, Hereditary; Hereditary neoplastic syndrome; Hereditary Cancer Syndrome. Identifiers: Orphanet 140162, MedGen C0027672, MeSH D009386, MONDO:0015356.

Allele frequency attached by ClinVar (database versions not stated): gnomAD exomes below 0.00001.

Submissions (3):

Labcorp Genetics (formerly Invitae), Labcorp
Classification: Likely pathogenic for Hereditary cancer-predisposing syndrome. Last evaluated: 2024-01-09. Review status: criteria provided, single submitter. Criteria: Invitae Variant Classification Sherloc (09022015). Collection method: clinical testing. Allele origin: germline.
Comment: This sequence change creates a premature translational stop signal (p.Arg1260Leufs*7) in the RAD50 gene. While this is not anticipated to result in nonsense mediated decay, it is expected to disrupt the last 53 amino acid(s) of the RAD50 protein. This variant is present in population databases (rs786202259, gnomAD 0.0009%). This premature translational stop signal has been observed in individual(s) with renal cancer (PMID: 26689913). ClinVar contains an entry for this variant (Variation ID: 185537). This variant disrupts the ATPase-C domain, which is important for RAD50 ATPase activity (PMID: 10892749, 24894818). While functional studies have not been performed to directly test the effect of this variant on RAD50 protein function, this suggests that disruption of this region of the protein is causative of disease. In summary, the currently available evidence indicates that the variant is pathogenic, but additional data are needed to prove that conclusively. Therefore, this variant has been classified as Likely Pathogenic.

Blueprint Genetics
Classification: Uncertain significance. Last evaluated: 2023-05-24. Review status: criteria provided, single submitter. Criteria: ACMG Guidelines, 2015. Collection method: clinical testing. Allele origin: germline.

Ambry Genetics
Classification: Pathogenic for Hereditary cancer-predisposing syndrome. Last evaluated: 2017-03-15. Review status: criteria provided, single submitter. Criteria: Ambry Variant Classification Scheme 2023. Collection method: clinical testing. Allele origin: germline.
Comment: The c.3779delG pathogenic mutation, located in coding exon 25 of the RAD50 gene, results from a deletion of one nucleotide at nucleotide position 3779, causing a translational frameshift with a predicted alternate stop codon (p.R1260Lfs*7). This frameshift occurs at the 3' terminus of RAD50 and is not expected to trigger nonsense-mediated mRNA decay, however it is expected to produce an abnormal protein lacking a portion of the C-terminal that is an important ATPase domain (Williams GJ et al. DNA Repair (Amst.), 2010 Dec;9:1299-306). This alteration is expected to result in loss of function by premature protein truncation. As such, this alteration is interpreted as a disease-causing mutation.

Literature cited by the submitters: PubMed 26689913 (cited by Labcorp Genetics (formerly Invitae), Labcorp); PubMed 10892749 (cited by Labcorp Genetics (formerly Invitae), Labcorp); PubMed 24894818 (cited by Labcorp Genetics (formerly Invitae), Labcorp); PubMed 21035407 (cited by Ambry Genetics).

NM_005732.4(RAD50):c.3779del (p.Arg1260fs)

Genes: RAD50 (RAD50 double strand break repair protein; plus strand), TH2LCRR (T helper type 2 locus control region associated RNA; minus strand). Cytogenetic location: 5q31.1.
Variant type: Deletion.
Coding change: c.3779del on transcript NM_005732.4 (MANE Select); coding-DNA position 3779, one base deleted (G; older notation c.3779delG).
Protein change: p.Arg1260fs; shifts the reading frame from arginine 1260.
Molecular consequence: frameshift variant. On other transcripts: non-coding transcript variant (1).
Genome position (GRCh38, 1-based): chr5:132,642,204, G deleted. VCF-style (leftmost placement, unchanged base first): chr5-132642203-CG-C. GRCh37 (hg19) VCF-style: chr5-131977895-CG-C.
Other names: c.3779del (NM_005732.3); short protein forms R1260fs.
Identifiers: ClinVar variation 185537 (VCV000185537.14), dbSNP rs786202259, ClinGen allele CA333884.
Genomic context (GRCh38, chr5:132,642,203, plus strand): 5'-TTTACTAATAATATGTTCTGAATATATTGTTGCAGGATAATAAAAAGTCGCTCACAGCAG[CG>C]TAACTTCCAGCTTCTGGTAATCACTCATGATGAAGATTTTGTGGAGCTTTTAGGACGTTC-3'